The following is an entry in ClinVar:

ClinVar aggregate classification (germline): Uncertain significance (1 of 4 stars; one submission).

Conditions:
Inborn genetic diseases. Identifiers: MedGen C0950123, MeSH D030342.

gnomAD v4.1: 1 of 1,611,854 alleles (0.000062%); highest among the groups gnomAD compares: Non-Finnish European, 0.000085%; no homozygotes.

Submission:

Ambry Genetics
Classification: Uncertain significance for Inborn genetic diseases. Last evaluated: 2024-11-23. Review status: criteria provided, single submitter. Criteria: Ambry Variant Classification Scheme 2023. Collection method: clinical testing. Allele origin: germline.
Comment: The p.R359G variant (also known as c.1075A>G), located in coding exon 6 of the ERCC6L2 gene, results from an A to G substitution at nucleotide position 1075. The arginine at codon 359 is replaced by glycine, an amino acid with dissimilar properties. This amino acid position is conserved. In addition, the in silico prediction for this alteration is inconclusive. Based on the available evidence, the clinical significance of this variant remains unclear.

NM_020207.7(ERCC6L2):c.1075A>G (p.Arg359Gly)

Gene: ERCC6L2 (ERCC excision repair 6 like 2; plus strand). Cytogenetic location: 9q22.32.
Variant type: single nucleotide variant.
Coding change: c.1075A>G on transcript NM_020207.7 (MANE Select); coding-DNA position 1075, A replaced by G.
Protein change: p.Arg359Gly; replaces arginine 359 with glycine.
Molecular consequence: missense variant. On other transcripts: non-coding transcript variant (1).
Genome position (GRCh38, 1-based): chr9:95,916,351, A>G. VCF-style: chr9-95916351-A-G. GRCh37 (hg19) VCF-style: chr9-98678633-A-G.
Other names: c.1075A>G, p.Arg359Gly (NM_001010895.4, NM_001375291.1, NM_001375292.1 and 2 more transcripts); short protein forms R359G.
Identifiers: ClinVar variation 3509973 (VCV003509973.1).